The following is an entry in ClinVar:

NM_000090.4(COL3A1):c.3554G>A (p.Gly1185Asp)

Gene: COL3A1 (collagen type III alpha 1 chain; plus strand). Cytogenetic location: 2q32.2.
Variant type: single nucleotide variant.
Coding change: c.3554G>A on transcript NM_000090.4 (MANE Select); coding-DNA position 3554, G replaced by A.
Protein change: p.Gly1185Asp; replaces glycine 1185 with aspartic acid.
Molecular consequence: missense variant.
Genome position (GRCh38, 1-based): chr2:189,008,952, G>A. VCF-style: chr2-189008952-G-A. GRCh37 (hg19) VCF-style: chr2-189873678-G-A.
Other names: G1018D.
Identifiers: ClinVar variation 17216 (VCV000017216.3), dbSNP rs121912917, ClinGen allele CA006649.

ClinVar aggregate classification (germline): Likely pathogenic. Review status: criteria provided, single submitter (1 of 4 stars). 3 submissions from 3 submitters: Likely pathogenic (1). 2 of the submissions do not count toward it. Last evaluated 2016-08-12.

Conditions:
Ehlers-Danlos syndrome, type 4 (EDSVASC). Also called: Ehlers-Danlos syndrome vascular type; Ehlers Danlos syndrome, ecchymotic type; Ehlers Danlos syndrome, arterial type; Ehlers Danlos syndrome, Sack-Barabas type; Ehlers-Danlos Syndrome Type IV. Identifiers: Orphanet 286, MedGen C0268338, MONDO:0017314, OMIM 130050.

Submissions (3):

GeneDx
Classification: Likely pathogenic. Last evaluated: 2016-08-12. Review status: criteria provided, single submitter. Criteria: GeneDx Variant Classification (06012015). Collection method: clinical testing. Allele origin: germline. Affected: yes.
Comment: The G1185D variant in the COL3A1 gene has been reported previously (as G1018D due to the use of alternative nomenclature) in association with Ehlers-Danlos syndrome, vascular type (Pepin et al., 2014; Kontusaari et al., 1992). This variant was not observed in approximately 6500 individuals of European and African American ancestry in the NHLBI Exome Sequencing Project, indicating it is not a common benign variant in these populations. The G1185D variant is a non-conservative amino acid substitution, which is likely to impact secondary protein structure as these residues differ in polarity, charge, size and/or other properties. This substitution occurs at a position that is conserved across species, and in silico analysis predicts this variant is probably damaging to the protein structure/function. A missense variant in the same residue (G1185V, reported as G1018V due to the use of alternative nomenclature) has been reported in association with Ehlers-Danlos syndrome vascular type (Smith et al., 1997), supporting the functional importance of this region of the protein. The G1185D variant is a strong candidate for a pathogenic variant, however the possibility it may be a rare benign variant cannot be excluded.

OMIM
Classification: Pathogenic for EHLERS-DANLOS SYNDROME, VASCULAR TYPE. Last evaluated: 1992-09-01. Review status: no assertion criteria provided. Collection method: literature only. Allele origin: germline. Not counted in ClinVar's aggregate classification.

Collagen Diagnostic Laboratory, University of Washington
Classification: Pathogenic for Ehlers-Danlos syndrome, type 4. Review status: no assertion criteria provided. Collection method: clinical testing. Allele origin: germline. Affected: yes. Not counted in ClinVar's aggregate classification.

Literature cited by the submitters: PubMed 1496983 (cited by OMIM); PubMed 19993915 (cited by OMIM); PubMed 7230200 (cited by OMIM).